The following is an entry in ClinVar:

ClinVar aggregate classification (germline): Pathogenic (1 of 4 stars; one submission).

Conditions:
Hereditary spastic paraplegia 15 (SPG15). Also called: SPASTIC PARAPLEGIA 15, AUTOSOMAL RECESSIVE; KJELLIN SYNDROME; SPASTIC PARAPLEGIA AND RETINAL DEGENERATION. Identifiers: Orphanet 100996, MedGen C1849128, MONDO:0010044, OMIM 270700.

Submission:

Myriad Genetics, Inc.
Classification: Pathogenic for Hereditary spastic paraplegia 15. Last evaluated: 2026-08-24. Review status: criteria provided, single submitter. Criteria: Myriad Autosomal Dominant, Autosomal Recessive and X-Linked Classification Criteria (2023). Collection method: clinical testing. Allele origin: unknown.
Comment: NM_015346.3(ZFYVE26):c.410delA(D137Afs*25) is expected to be pathogenic in the context of spastic paraplegia type 15. This variant is predicted to lead to an abnormal or absent protein product due to the creation of a premature termination codon in ZFYVE26, a gene where loss-of-function variants are known to be pathogenic. Please note: this variant was assessed in the context of healthy population screening.

NM_015346.4(ZFYVE26):c.410del (p.Asp137fs)

Gene: ZFYVE26 (zinc finger FYVE-type containing 26; minus strand). Cytogenetic location: 14q24.1.
Variant type: Deletion.
Coding change: c.410del on transcript NM_015346.4 (MANE Select); coding-DNA position 410, one base deleted (A; older notation c.410delA).
Protein change: p.Asp137fs; shifts the reading frame from aspartic acid 137.
Molecular consequence: frameshift variant.
Genome position (GRCh38, 1-based): chr14:67,807,874, T deleted on the plus strand (A on the coding strand, the reverse complement: ZFYVE26 is on the minus strand). VCF-style (leftmost placement, unchanged base first): chr14-67807873-GT-G. GRCh37 (hg19) VCF-style: chr14-68274590-GT-G.
Other names: short protein forms D137fs.
Identifiers: ClinVar variation 5016268 (VCV005016268.1).